The following is an entry in ClinVar:

NM_005591.4(MRE11):c.1730G>A (p.Arg577Lys)

Gene: MRE11 (MRE11 double strand break repair nuclease; minus strand). Cytogenetic location: 11q21.
Variant type: single nucleotide variant.
Coding change: c.1730G>A on transcript NM_005591.4 (MANE Select); coding-DNA position 1730, G replaced by A.
Protein change: p.Arg577Lys; replaces arginine 577 with lysine.
Molecular consequence: missense variant.
Genome position (GRCh38, 1-based): chr11:94,447,272, C>T on the plus strand (G>A on the coding strand, the complement: MRE11 is on the minus strand). VCF-style: chr11-94447272-C-T. GRCh37 (hg19) VCF-style: chr11-94180438-C-T.
Other names: c.1730G>A, p.Arg577Lys (NM_001330347.2, NM_005590.4); short protein forms R577K.
Identifiers: ClinVar variation 3295834 (VCV003295834.1).

ClinVar aggregate classification (germline): Uncertain significance (1 of 4 stars; one submission).

Conditions:
Hereditary cancer-predisposing syndrome. Also called: Tumor predisposition; Hereditary Cancer Syndrome; Hereditary neoplastic syndrome; Neoplastic Syndromes, Hereditary. Identifiers: Orphanet 140162, MedGen C0027672, MeSH D009386, MONDO:0015356.

Submission:

Ambry Genetics
Classification: Uncertain significance for Hereditary cancer-predisposing syndrome. Last evaluated: 2024-06-24. Review status: criteria provided, single submitter. Criteria: Ambry Variant Classification Scheme 2023. Collection method: clinical testing. Allele origin: germline.
Comment: The p.R577K variant (also known as c.1730G>A), located in coding exon 14 of the MRE11A gene, results from a G to A substitution at nucleotide position 1730. The arginine at codon 577 is replaced by lysine, an amino acid with highly similar properties. This amino acid position is conserved. In addition, the in silico prediction for this alteration is inconclusive. Based on the available evidence, the clinical significance of this variant remains unclear.